The following is an entry in ClinVar:

NM_000395.3(CSF2RB):c.1661C>T (p.Thr554Met)

Gene: CSF2RB (colony stimulating factor 2 receptor subunit beta; plus strand). Cytogenetic location: 22q12.3.
Variant type: single nucleotide variant.
Coding change: c.1661C>T on transcript NM_000395.3 (MANE Select); coding-DNA position 1661, C replaced by T.
Protein change: p.Thr554Met; replaces threonine 554 with methionine.
Molecular consequence: missense variant.
Genome position (GRCh38, 1-based): chr22:36,937,469, C>T. VCF-style: chr22-36937469-C-T. GRCh37 (hg19) VCF-style: chr22-37333511-C-T.
Other names: c.1661C>T (NM_000395.2); short protein forms T554M.
Identifiers: ClinVar variation 1496929 (VCV001496929.9), dbSNP rs146859739, ClinGen allele CA10213955.

ClinVar aggregate classification (germline): Uncertain significance. Review status: criteria provided, multiple submitters, no conflicts (2 of 4 stars). 2 submissions from 2 submitters: Uncertain significance (2). Last evaluated 2026-01-08.

Conditions:
Inborn genetic diseases. Identifiers: MedGen C0950123, MeSH D030342.

Allele frequency attached by ClinVar (database versions not stated): ESP Exome Variant Server 0.00008; 1000 Genomes Project 30x 0.00016; 1000 Genomes Project 0.00020.
gnomAD v4.1: 68 of 1,614,024 alleles (0.0042%); highest among the groups gnomAD compares: South Asian, 0.0066%; no homozygotes.

Submissions (2):

Labcorp Genetics (formerly Invitae), Labcorp
Classification: Uncertain significance. Last evaluated: 2026-01-08. Review status: criteria provided, single submitter. Criteria: Invitae Variant Classification Sherloc (09022015). Collection method: clinical testing. Allele origin: germline.
Comment: This sequence change replaces threonine, which is neutral and polar, with methionine, which is neutral and non-polar, at codon 554 of the CSF2RB protein (p.Thr554Met). This variant is present in population databases (rs146859739, gnomAD 0.02%). This variant has not been reported in the literature in individuals affected with CSF2RB-related conditions. ClinVar contains an entry for this variant (Variation ID: 1496929). Invitae Evidence Modeling of protein sequence and biophysical properties (such as structural, functional, and spatial information, amino acid conservation, physicochemical variation, residue mobility, and thermodynamic stability) indicates that this missense variant is not expected to disrupt CSF2RB protein function with a negative predictive value of 80%. In summary, the available evidence is currently insufficient to determine the role of this variant in disease. Therefore, it has been classified as a Variant of Uncertain Significance.

Ambry Genetics
Classification: Uncertain significance for Inborn genetic diseases. Last evaluated: 2025-09-27. Review status: criteria provided, single submitter. Criteria: Ambry Variant Classification Scheme 2023. Collection method: clinical testing. Allele origin: germline.